The following is an entry in ClinVar:

NM_001386795.1(DTNA):c.1480G>A (p.Asp494Asn)

Gene: DTNA (dystrobrevin alpha; plus strand). Cytogenetic location: 18q12.1.
Variant type: single nucleotide variant.
Coding change: c.1480G>A on transcript NM_001386795.1 (MANE Select); coding-DNA position 1480, G replaced by A.
Protein change: p.Asp494Asn; replaces aspartic acid 494 with asparagine.
Molecular consequence: missense variant.
Genome position (GRCh38, 1-based): chr18:34,851,876, G>A. VCF-style: chr18-34851876-G-A. GRCh37 (hg19) VCF-style: chr18-32431840-G-A.
Other names: p.D464N:GAT>AAT; c.1480G>A, p.Asp494Asn (NM_001386788.1); c.1399G>A, p.Asp467Asn (NM_001390.5, NM_001391.5); c.1228G>A, p.Asp410Asn (NM_032975.4, NM_032979.5, NM_001386761.1); c.1390G>A, p.Asp464Asn (NM_032978.7); c.343G>A, p.Asp115Asn (NM_032980.4); c.265G>A, p.Asp89Asn (NM_032981.5); c.1219G>A, p.Asp407Asn (NM_001198938.2, NM_001198939.2, NM_001198940.2 and 9 more transcripts); and 8 more; short protein forms D410N, D467N, D464N, D115N, D119N, D217N, D89N, D157N.
Identifiers: ClinVar variation 46412 (VCV000046412.24), dbSNP rs144880521, ClinGen allele CA138287.

ClinVar aggregate classification (germline): Conflicting classifications of pathogenicity. Review status: criteria provided, conflicting classifications (1 of 4 stars). 6 submissions from 6 submitters: Uncertain significance (3); Likely benign (2). 1 of the submissions does not count toward it. Last evaluated 2026-03-17.

Conditions:
DTNA-related disorder. Also called: DTNA-related condition.
Left ventricular noncompaction 1 (LVNC1). Also called: LEFT VENTRICULAR NONCOMPACTION 1 WITH OR WITHOUT CONGENITAL HEART DEFECTS. Identifiers: Orphanet 54260, MedGen C1858725, MONDO:0011403, OMIM 604169.

Allele frequency attached by ClinVar (database versions not stated): 1000 Genomes Project 30x 0.00016; 1000 Genomes Project 0.00020; gnomAD exomes 0.00003 and 0.00008; gnomAD 0.00032 and 0.00037; ESP Exome Variant Server 0.00023; ExAC 0.00007; TOPMed 0.00037.
gnomAD v4.1: 90 of 1,613,990 alleles (0.0056%); highest among the groups gnomAD compares: African/African-American, 0.095%; no homozygotes.

Submissions (6):

Women's Health and Genetics/Laboratory Corporation of America, LabCorp
Classification: Likely benign. Last evaluated: 2026-03-17. Review status: criteria provided, single submitter. Criteria: LabCorp Variant Classification Summary - May 2015. Collection method: clinical testing. Allele origin: germline.
Comment: Variant summary: DTNA c.1399G>A (p.Asp467Asn) results in a conservative amino acid change in the encoded protein sequence. Algorithms developed to predict the effect of missense changes on protein structure and function are either unavailable or do not agree on the potential impact of this missense change. The variant allele was found at a frequency of 8.4e-05 in 251212 control chromosomes, predominantly at a frequency of 0.00086 within the African or African-American subpopulation in the gnomAD database. The observed variant frequency within African or African-American control individuals in the gnomAD database exceeds the estimated maximal expected allele frequency for disease-causing variants in DTNA. c.1399G>A has been observed in an individual affected with Dilated Cardiomyopathy, without strong evidence for causality (Khan_2022). This report does not provide unequivocal conclusions about association of the variant with Cardiomyopathy or other DTNA-related conditions. To our knowledge, no experimental evidence demonstrating an impact on protein function has been reported. The following publication has been ascertained in the context of this evaluation (PMID: 34935411). ClinVar contains an entry for this variant (Variation ID: 46412). Based on the evidence outlined above, the variant was classified as likely benign.

Labcorp Genetics (formerly Invitae), Labcorp
Classification: Likely benign for Left ventricular noncompaction 1. Last evaluated: 2026-01-12. Review status: criteria provided, single submitter. Criteria: Invitae Variant Classification Sherloc (09022015). Collection method: clinical testing. Allele origin: germline.

GeneDx
Classification: Uncertain significance. Last evaluated: 2025-01-14. Review status: criteria provided, single submitter. Criteria: GeneDx Variant Classification Process June 2021. Collection method: clinical testing. Allele origin: germline. Affected: yes.
Comment: Has not been previously published as pathogenic or benign to our knowledge; In silico analysis supports that this missense variant has a deleterious effect on protein structure/function; Variants in candidate genes are classified as variants of uncertain significance in accordance with ACMG guidelines (PMID: 25741868); This variant is associated with the following publications: (PMID: 24014171)

Biesecker Lab/Clinical Genomics Section, National Institutes of Health
Classification: Uncertain significance. Last evaluated: 2013-06-24. Review status: criteria provided, single submitter. Criteria: Ng et al. (Circ Cardiovasc Genet. 2013). Collection method: research. Allele origin: unknown. Observed: 1 variant allele. Study: ClinSeq.
Comment: The study set was not selected for affection status in relation to any cancer. Pathogenicity categories were based on literature curation. See Pubmed ID:23861362 for details.

Medical sequencing

Laboratory for Molecular Medicine, Mass General Brigham Personalized Medicine
Classification: Uncertain significance. Last evaluated: 2012-04-27. Review status: criteria provided, single submitter. Criteria: LMM Criteria. Collection method: clinical testing. Allele origin: germline. Observed: 1 variant allele.
Comment: Variant classified as Uncertain Significance - Favor Benign. The Asp410Asn varia nt (DTNA) has not been reported in the literature nor previously identified by o ur laboratory. Computational analyses (biochemical amino acid properties, conser vation, AlignGVGD, PolyPhen2, and SIFT) do not provide strong support for or aga inst an impact to the protein. This variant has been identified in 0.08% (3/3738 ) of African American chromosomes from a broad population by the NHLBI Exome Se quencing Project (dbSNP rs144880521). While t his frequency suggests that this variant is more likely benign, it is too low to confidently rule out a disease causing role. Additional information is needed t o fully assess its clinical significance.

PreventionGenetics, part of Exact Sciences
Classification: Likely benign for DTNA-related condition. Last evaluated: 2023-01-20. Review status: no assertion criteria provided. Collection method: clinical testing. Allele origin: germline. Not counted in ClinVar's aggregate classification.
Comment: This variant is classified as likely benign based on ACMG/AMP sequence variant interpretation guidelines (Richards et al. 2015 PMID: 25741868, with internal and published modifications).

Literature cited by the submitters: PubMed 34935411 (cited by Women's Health and Genetics/Laboratory Corporation of America, LabCorp).